The following is an entry in ClinVar:

NM_001365951.3(KIF1B):c.1486C>T (p.Arg496Cys)

Gene: KIF1B (kinesin family member 1B; plus strand). Cytogenetic location: 1p36.22.
Variant type: single nucleotide variant.
Coding change: c.1486C>T on transcript NM_001365951.3 (MANE Select); coding-DNA position 1486, C replaced by T.
Protein change: p.Arg496Cys; replaces arginine 496 with cysteine.
Molecular consequence: missense variant.
Genome position (GRCh38, 1-based): chr1:10,291,133, C>T. VCF-style: chr1-10291133-C-T. GRCh37 (hg19) VCF-style: chr1-10351191-C-T.
Other names: c.1486C>T, p.Arg496Cys (NM_001365952.1); c.1348C>T, p.Arg450Cys (NM_001365953.1, NM_015074.3, NM_183416.4); short protein forms R496C, R450C.
Identifiers: ClinVar variation 1770522 (VCV001770522.7), dbSNP rs761449546, ClinGen allele CA580978.

ClinVar aggregate classification (germline): Uncertain significance. Review status: criteria provided, multiple submitters, no conflicts (2 of 4 stars). 2 submissions from 2 submitters: Uncertain significance (2). Last evaluated 2024-06-15.

Conditions:
Charcot-Marie-Tooth disease type 2. Also called: Charcot-Marie-Tooth type 2. Identifiers: Orphanet 64746, MedGen C0270914, MONDO:0018993.

Allele frequency attached by ClinVar (database versions not stated): ExAC 0.00001; gnomAD 0.00001.
gnomAD v4.1: 12 of 1,612,820 alleles (0.00074%); highest among the groups gnomAD compares: African/African-American, 0.0027%; no homozygotes.

Submissions (2):

Ambry Genetics
Classification: Uncertain significance. Last evaluated: 2024-06-15. Review status: criteria provided, single submitter. Criteria: Ambry Variant Classification Scheme 2023. Collection method: clinical testing. Allele origin: germline.
Comment: The p.R450C variant (also known as c.1348C>T), located in coding exon 13 of the KIF1B gene, results from a C to T substitution at nucleotide position 1348. The arginine at codon 450 is replaced by cysteine, an amino acid with highly dissimilar properties. This amino acid position is conserved. In addition, the in silico prediction for this alteration is inconclusive. Since supporting evidence is limited at this time, the clinical significance of this alteration remains unclear.

Labcorp Genetics (formerly Invitae), Labcorp
Classification: Uncertain significance for Charcot-Marie-Tooth disease type 2. Last evaluated: 2023-07-12. Review status: criteria provided, single submitter. Criteria: Invitae Variant Classification Sherloc (09022015). Collection method: clinical testing. Allele origin: germline.
Comment: This sequence change replaces arginine, which is basic and polar, with cysteine, which is neutral and slightly polar, at codon 450 of the KIF1B protein (p.Arg450Cys). This variant is present in population databases (rs761449546, gnomAD 0.0009%). This variant has not been reported in the literature in individuals affected with KIF1B-related conditions. ClinVar contains an entry for this variant (Variation ID: 1770522). Advanced modeling of protein sequence and biophysical properties (such as structural, functional, and spatial information, amino acid conservation, physicochemical variation, residue mobility, and thermodynamic stability) performed at Invitae indicates that this missense variant is expected to disrupt KIF1B protein function. In summary, the available evidence is currently insufficient to determine the role of this variant in disease. Therefore, it has been classified as a Variant of Uncertain Significance.